The following is an entry in ClinVar:

ClinVar aggregate classification (germline): Conflicting classifications of pathogenicity. Review status: criteria provided, conflicting classifications (1 of 4 stars). 7 submissions from 7 submitters: Uncertain significance (6); Likely benign (1). Last evaluated 2025-11-24.

Conditions:
Familial cancer of breast. Also called: hereditary breast carcinoma; Hereditary breast cancer; BREAST CANCER, FAMILIAL. Identifiers: Orphanet 227535, MedGen C0346153, MONDO:0016419, OMIM 114480. Disease mechanism: loss of function.
Hereditary cancer-predisposing syndrome. Also called: Neoplastic Syndromes, Hereditary; Hereditary neoplastic syndrome; Hereditary Cancer Syndrome; Tumor predisposition. Identifiers: Orphanet 140162, MedGen C0027672, MeSH D009386, MONDO:0015356.

Allele frequency attached by ClinVar (database versions not stated): gnomAD exomes below 0.00001 and 0.00001; gnomAD 0.00001; TOPMed 0.00001.
gnomAD v4.1: 9 of 1,614,076 alleles (0.00056%); highest among the groups gnomAD compares: Middle Eastern, 0.016%; no homozygotes.

Submissions (7):

Labcorp Genetics (formerly Invitae), Labcorp
Classification: Uncertain significance for Familial cancer of breast. Last evaluated: 2025-11-24. Review status: criteria provided, single submitter. Criteria: Invitae Variant Classification Sherloc (09022015). Collection method: clinical testing. Allele origin: germline.
Comment: This sequence change replaces leucine, which is neutral and non-polar, with methionine, which is neutral and non-polar, at codon 742 of the BARD1 protein (p.Leu742Met). This variant is present in population databases (no rsID available, gnomAD 0.0009%). This missense change has been observed in individual(s) with unspecified personal and/or family history of cancer (PMID: 31159747). ClinVar contains an entry for this variant (Variation ID: 232439). An algorithm developed to predict the effect of missense changes on protein structure and function (PolyPhen-2) suggests that this variant is likely to be tolerated. In summary, the available evidence is currently insufficient to determine the role of this variant in disease. Therefore, it has been classified as a Variant of Uncertain Significance.

Ambry Genetics
Classification: Likely benign for Hereditary cancer-predisposing syndrome. Last evaluated: 2025-06-23. Review status: criteria provided, single submitter. Criteria: Ambry Variant Classification Scheme 2023. Collection method: clinical testing. Allele origin: germline.

GeneDx
Classification: Uncertain significance. Last evaluated: 2024-03-04. Review status: criteria provided, single submitter. Criteria: GeneDx Variant Classification Process June 2021. Collection method: clinical testing. Allele origin: germline. Affected: yes.
Comment: Not observed at significant frequency in large population cohorts (gnomAD); In silico analysis supports that this missense variant does not alter protein structure/function; Has not been previously published as pathogenic or benign to our knowledge; This variant is associated with the following publications: (PMID: 17550235, 31159747)

Blueprint Genetics
Classification: Uncertain significance. Last evaluated: 2023-12-12. Review status: criteria provided, single submitter. Criteria: ACMG Guidelines, 2015. Collection method: clinical testing. Allele origin: germline.

Color Diagnostics, LLC DBA Color Health
Classification: Uncertain significance for Hereditary cancer-predisposing syndrome. Last evaluated: 2022-06-13. Review status: criteria provided, single submitter. Criteria: ACMG Guidelines, 2015. Collection method: clinical testing. Allele origin: germline.
Comment: This missense variant replaces leucine with methionine at codon 742 of the BARD1 protein. Computational prediction suggests that this variant may not impact protein structure and function (internally defined REVEL score threshold <= 0.5, PMID: 27666373). To our knowledge, functional studies have not been reported for this variant. This variant has not been reported in an individual with unspecified personal and/or family history of cancer (PMID: 31159747). This variant has been identified in 1/251304 chromosomes in the general population by the Genome Aggregation Database (gnomAD). The available evidence is insufficient to determine the role of this variant in disease conclusively. Therefore, this variant is classified as a Variant of Uncertain Significance.

Quest Diagnostics Nichols Institute San Juan Capistrano
Classification: Uncertain significance. Last evaluated: 2019-10-21. Review status: criteria provided, single submitter. Criteria: Quest Diagnostics criteria. Collection method: clinical testing. Allele origin: unknown.

GeneKor MSA
Classification: Uncertain significance for Hereditary cancer-predisposing syndrome. Last evaluated: 2018-08-01. Review status: criteria provided, single submitter. Criteria: ACMG Guidelines, 2015. Collection method: clinical testing. Allele origin: germline. Affected: yes.

Literature cited by the submitters: PubMed 31159747 (cited by 3 submitters).

NM_000465.4(BARD1):c.2224T>A (p.Leu742Met)

Gene: BARD1 (BRCA1 associated RING domain 1; minus strand). Cytogenetic location: 2q35.
Variant type: single nucleotide variant.
Coding change: c.2224T>A on transcript NM_000465.4 (MANE Select); coding-DNA position 2224, T replaced by A.
Protein change: p.Leu742Met; replaces leucine 742 with methionine.
Molecular consequence: missense variant. On other transcripts: non-coding transcript variant (3).
Genome position (GRCh38, 1-based): chr2:214,728,786, A>T on the plus strand (T>A on the coding strand, the complement: BARD1 is on the minus strand). VCF-style: chr2-214728786-A-T. GRCh37 (hg19) VCF-style: chr2-215593510-A-T.
Other names: c.2167T>A, p.Leu723Met (NM_001282543.2); c.871T>A, p.Leu291Met (NM_001282545.2); c.814T>A, p.Leu272Met (NM_001282548.2); c.685T>A, p.Leu229Met (NM_001282549.2); short protein forms L742M, L229M, L723M, L272M, L291M.
Identifiers: ClinVar variation 232439 (VCV000232439.21), dbSNP rs876659765, ClinGen allele CA10577761.